The following is an entry in ClinVar:

NM_001098.3(ACO2):c.900C>A (p.Asn300Lys)

Gene: ACO2 (aconitase 2; plus strand). Cytogenetic location: 22q13.2.
Variant type: single nucleotide variant.
Coding change: c.900C>A on transcript NM_001098.3 (MANE Select); coding-DNA position 900, C replaced by A.
Protein change: p.Asn300Lys; replaces asparagine 300 with lysine.
Molecular consequence: missense variant.
Genome position (GRCh38, 1-based): chr22:41,517,591, C>A. VCF-style: chr22-41517591-C-A. GRCh37 (hg19) VCF-style: chr22-41913595-C-A.
Other names: short protein forms N300K.
Identifiers: ClinVar variation 3659552 (VCV003659552.2).

ClinVar aggregate classification (germline): Uncertain significance (1 of 4 stars; one submission).

Submission:

Labcorp Genetics (formerly Invitae), Labcorp
Classification: Uncertain significance. Last evaluated: 2024-07-15. Review status: criteria provided, single submitter. Criteria: Invitae Variant Classification Sherloc (09022015). Collection method: clinical testing. Allele origin: germline.
Comment: This sequence change replaces asparagine, which is neutral and polar, with lysine, which is basic and polar, at codon 300 of the ACO2 protein (p.Asn300Lys). This variant is not present in population databases (gnomAD no frequency). This variant has not been reported in the literature in individuals affected with ACO2-related conditions. Advanced modeling of protein sequence and biophysical properties (such as structural, functional, and spatial information, amino acid conservation, physicochemical variation, residue mobility, and thermodynamic stability) performed at Invitae indicates that this missense variant is expected to disrupt ACO2 protein function with a positive predictive value of 80%. In summary, the available evidence is currently insufficient to determine the role of this variant in disease. Therefore, it has been classified as a Variant of Uncertain Significance.